The following is an entry in ClinVar:

NM_002291.3(LAMB1):c.5309C>T (p.Ser1770Leu)

Gene: LAMB1 (laminin subunit beta 1; minus strand). Cytogenetic location: 7q31.1.
Variant type: single nucleotide variant.
Coding change: c.5309C>T on transcript NM_002291.3 (MANE Select); coding-DNA position 5309, C replaced by T.
Protein change: p.Ser1770Leu; replaces serine 1770 with leucine.
Molecular consequence: missense variant.
Genome position (GRCh38, 1-based): chr7:107,924,003, G>A on the plus strand (C>T on the coding strand, the complement: LAMB1 is on the minus strand). VCF-style: chr7-107924003-G-A. GRCh37 (hg19) VCF-style: chr7-107564448-G-A.
Other names: c.5309C>T (NM_002291.2); short protein forms S1770L.
Identifiers: ClinVar variation 1933864 (VCV001933864.6), dbSNP rs1250102777, ClinGen allele CA368859836.
Genomic context (GRCh38, chr7:107,924,003, plus strand): 5'-CTCCTCTGTTACAAGCATGTGCTATACACAGCAACTTTCTGGCTTATATCCTTTAGGAGT[G>A]AACGGACTTCTCCTTCCAGTCTTGCTAATTCTTGAGCTTTATCTTCTAAGTATCTTTGAT-3'
Protein context (NP_002282.2, residues 1760-1780): ELARLEGEVR[Ser1770Leu]LLKDISQKVA

ClinVar aggregate classification (germline): Uncertain significance. Review status: criteria provided, multiple submitters, no conflicts (2 of 4 stars). 2 submissions from 2 submitters: Uncertain significance (2). Last evaluated 2025-08-02.

Conditions:
Inborn genetic diseases. Identifiers: MedGen C0950123, MeSH D030342.

Allele frequency attached by ClinVar (database versions not stated): gnomAD exomes below 0.00001; gnomAD 0.00003.
gnomAD v4.1: 6 of 1,604,500 alleles (0.00037%); highest among the groups gnomAD compares: Non-Finnish European, 0.00051%; no homozygotes.

Submissions (2):

Ambry Genetics
Classification: Uncertain significance for Inborn genetic diseases. Last evaluated: 2025-08-02. Review status: criteria provided, single submitter. Criteria: Ambry Variant Classification Scheme 2023. Collection method: clinical testing. Allele origin: germline.

Labcorp Genetics (formerly Invitae), Labcorp
Classification: Uncertain significance. Last evaluated: 2024-01-18. Review status: criteria provided, single submitter. Criteria: Invitae Variant Classification Sherloc (09022015). Collection method: clinical testing. Allele origin: germline.
Comment: This sequence change replaces serine, which is neutral and polar, with leucine, which is neutral and non-polar, at codon 1770 of the LAMB1 protein (p.Ser1770Leu). This variant is present in population databases (no rsID available, gnomAD 0.06%). This variant has not been reported in the literature in individuals affected with LAMB1-related conditions. ClinVar contains an entry for this variant (Variation ID: 1933864). Algorithms developed to predict the effect of missense changes on protein structure and function output the following: SIFT: "Not Available"; PolyPhen-2: "Benign"; Align-GVGD: "Not Available". The leucine amino acid residue is found in multiple mammalian species, which suggests that this missense change does not adversely affect protein function. In summary, the available evidence is currently insufficient to determine the role of this variant in disease. Therefore, it has been classified as a Variant of Uncertain Significance.